The following is an entry in ClinVar:

ClinVar aggregate classification (germline): Uncertain significance (1 of 4 stars; one submission).

Submission:

Women's Health and Genetics/Laboratory Corporation of America, LabCorp
Classification: Uncertain significance. Last evaluated: 2025-01-27. Review status: criteria provided, single submitter. Criteria: LabCorp Variant Classification Summary - May 2015. Collection method: clinical testing. Allele origin: germline.
Comment: Variant summary: MED12 c.3034G>A (p.Glu1012Lys) results in a conservative amino acid change in the encoded protein sequence. Four of five in-silico tools predict a benign effect of the variant on protein function. The variant was absent in 181434 control chromosomes. The available data on variant occurrences in the general population are insufficient to allow any conclusion about variant significance. To our knowledge, no occurrence of c.3034G>A in individuals affected with MED12-Related Disorders and no experimental evidence demonstrating its impact on protein function have been reported. No submitters have cited clinical-significance assessments for this variant to ClinVar. Based on the evidence outlined above, the variant was classified as uncertain significance.

NM_005120.3(MED12):c.3034G>A (p.Glu1012Lys)

Gene: MED12 (mediator complex subunit 12; plus strand). Cytogenetic location: Xq13.1.
Variant type: single nucleotide variant.
Coding change: c.3034G>A on transcript NM_005120.3 (MANE Select); coding-DNA position 3034, G replaced by A.
Protein change: p.Glu1012Lys; replaces glutamic acid 1012 with lysine.
Molecular consequence: missense variant.
Genome position (GRCh38, 1-based): chrX:71,127,945, G>A. VCF-style: chrX-71127945-G-A. GRCh37 (hg19) VCF-style: chrX-70347795-G-A.
Other names: short protein forms E1012K.
Identifiers: ClinVar variation 3769425 (VCV003769425.2).